The following is an entry in ClinVar:

ClinVar aggregate classification (germline): Uncertain significance. Review status: criteria provided, multiple submitters, no conflicts (2 of 4 stars). 4 submissions from 4 submitters: Uncertain significance (3). 1 of the submissions does not count toward it. Last evaluated 2025-12-22.

Conditions:
Hereditary cancer-predisposing syndrome. Also called: Neoplastic Syndromes, Hereditary; Hereditary Cancer Syndrome; Tumor predisposition; Hereditary neoplastic syndrome. Identifiers: Orphanet 140162, MedGen C0027672, MeSH D009386, MONDO:0015356.
Ataxia-telangiectasia syndrome (AT). Also called: LOUIS-BAR SYNDROME; Cerebello-oculocutaneous telangiectasia; Immunodeficiency with ataxia telangiectasia; Ataxia-telangiectasia, complementation group D; AT, COMPLEMENTATION GROUP C; Ataxia-telangiectasia, complementation group E. Identifiers: Orphanet 100, MedGen C0004135, MONDO:0008840, OMIM 208900.
Familial cancer of breast. Also called: Hereditary breast cancer; BREAST CANCER, FAMILIAL; hereditary breast carcinoma. Identifiers: Orphanet 227535, MedGen C0346153, MONDO:0016419, OMIM 114480. Disease mechanism: loss of function.

Submissions (4):

Labcorp Genetics (formerly Invitae), Labcorp
Classification: Uncertain significance for Ataxia-telangiectasia syndrome. Last evaluated: 2025-12-22. Review status: criteria provided, single submitter. Criteria: Invitae Variant Classification Sherloc (09022015). Collection method: clinical testing. Allele origin: germline.
Comment: This sequence change replaces methionine, which is neutral and non-polar, with leucine, which is neutral and non-polar, at codon 2667 of the ATM protein (p.Met2667Leu). This variant is not present in population databases (gnomAD no frequency). This missense change has been observed in individual(s) with breast cancer (PMID: 30303537). ClinVar contains an entry for this variant (Variation ID: 479035). Invitae Evidence Modeling of protein sequence and biophysical properties (such as structural, functional, and spatial information, amino acid conservation, physicochemical variation, residue mobility, and thermodynamic stability) indicates that this missense variant is not expected to disrupt ATM protein function with a negative predictive value of 95%. In summary, the available evidence is currently insufficient to determine the role of this variant in disease. Therefore, it has been classified as a Variant of Uncertain Significance.

Ambry Genetics
Classification: Uncertain significance for Hereditary cancer-predisposing syndrome. Last evaluated: 2024-04-15. Review status: criteria provided, single submitter. Criteria: Ambry Variant Classification Scheme 2023. Collection method: clinical testing. Allele origin: germline.
Comment: The p.M2667L variant (also known as c.7999A>T), located in coding exon 53 of the ATM gene, results from an A to T substitution at nucleotide position 7999. The methionine at codon 2667 is replaced by leucine, an amino acid with highly similar properties. This alteration was identified in 1/1207 cases of French women diagnosed with breast cancer who had a sister with breast cancer and were BRCA1 and BRCA2 negative and 0/1199 general population controls (Girard E et al. Int J Cancer, 2019 04;144:1962-1974). This amino acid position is well conserved in available vertebrate species. In addition, this alteration is predicted to be tolerated by in silico analysis. Since supporting evidence is limited at this time, the clinical significance of this alteration remains unclear.

Baylor Genetics
Classification: Uncertain significance for Familial cancer of breast. Last evaluated: 2022-01-13. Review status: criteria provided, single submitter. Criteria: ACMG Guidelines, 2015. Collection method: clinical testing. Allele origin: unknown.

Natera, Inc.
Classification: Uncertain significance for Ataxia-telangiectasia. Last evaluated: 2020-08-26. Review status: no assertion criteria provided. Collection method: clinical testing. Allele origin: germline. Not counted in ClinVar's aggregate classification.

Literature cited by the submitters: PubMed 30303537 (cited by Labcorp Genetics (formerly Invitae), Labcorp and Ambry Genetics).

NM_000051.4(ATM):c.7999A>T (p.Met2667Leu)

Genes: C11orf65 (chromosome 11 open reading frame 65; minus strand), ATM (ATM serine/threonine kinase; plus strand). Cytogenetic location: 11q22.3.
Variant type: single nucleotide variant.
Coding change: c.7999A>T on transcript NM_000051.4 (MANE Select); coding-DNA position 7999, A replaced by T.
Protein change: p.Met2667Leu; replaces methionine 2667 with leucine.
Molecular consequence: missense variant. On other transcripts: intron variant (2).
Genome position (GRCh38, 1-based): chr11:108,333,957, A>T. VCF-style: chr11-108333957-A-T. GRCh37 (hg19) VCF-style: chr11-108204684-A-T.
Other names: c.7999A>T, p.Met2667Leu (NM_001351834.2); c.641-24886T>A (NM_001330368.2); c.*38+1263T>A (NM_001351110.2); short protein forms M2667L.
Identifiers: ClinVar variation 479035 (VCV000479035.29), dbSNP rs34099398, ClinGen allele CA382561793.